The following is an entry in ClinVar:

ClinVar aggregate classification (germline): Uncertain significance. Review status: criteria provided, multiple submitters, no conflicts (2 of 4 stars). 2 submissions from 2 submitters: Uncertain significance (2). Last evaluated 2023-10-26.

Conditions:
Ullrich congenital muscular dystrophy 2 (UCMD2). Identifiers: Orphanet 75840, MedGen C4225314, MONDO:0014654, OMIM 616470.
Bethlem myopathy 2 (BTHLM2). Identifiers: Orphanet 536516, Orphanet 610, MedGen C4225313, MONDO:0034022, OMIM 616471.

Submissions (2):

GeneDx
Classification: Uncertain significance. Last evaluated: 2023-10-26. Review status: criteria provided, single submitter. Criteria: GeneDx Variant Classification Process June 2021. Collection method: clinical testing. Allele origin: germline. Affected: yes.
Comment: Not observed at significant frequency in large population cohorts (gnomAD); In silico analysis supports that this missense variant has a deleterious effect on protein structure/function; Has not been previously published as pathogenic or benign to our knowledge

Labcorp Genetics (formerly Invitae), Labcorp
Classification: Uncertain significance for Bethlem myopathy 2; Ullrich congenital muscular dystrophy 2. Last evaluated: 2023-01-24. Review status: criteria provided, single submitter. Criteria: Invitae Variant Classification Sherloc (09022015). Collection method: clinical testing. Allele origin: germline.
Comment: This sequence change replaces glycine, which is neutral and non-polar, with serine, which is neutral and polar, at codon 3039 of the COL12A1 protein (p.Gly3039Ser). This variant is not present in population databases (gnomAD no frequency). In summary, the available evidence is currently insufficient to determine the role of this variant in disease. Therefore, it has been classified as a Variant of Uncertain Significance. Algorithms developed to predict the effect of missense changes on protein structure and function are either unavailable or do not agree on the potential impact of this missense change (SIFT: "Deleterious"; PolyPhen-2: "Probably Damaging"; Align-GVGD: "Class C0"). ClinVar contains an entry for this variant (Variation ID: 1720763). This variant has not been reported in the literature in individuals affected with COL12A1-related conditions.

NM_004370.6(COL12A1):c.9115G>A (p.Gly3039Ser)

Gene: COL12A1 (collagen type XII alpha 1 chain; minus strand). Cytogenetic location: 6q13.
Variant type: single nucleotide variant.
Coding change: c.9115G>A on transcript NM_004370.6 (MANE Select); coding-DNA position 9115, G replaced by A.
Protein change: p.Gly3039Ser; replaces glycine 3039 with serine.
Molecular consequence: missense variant.
Genome position (GRCh38, 1-based): chr6:75,087,643, C>T on the plus strand (G>A on the coding strand, the complement: COL12A1 is on the minus strand). VCF-style: chr6-75087643-C-T. GRCh37 (hg19) VCF-style: chr6-75797359-C-T.
Other names: c.5623G>A, p.Gly1875Ser (NM_080645.3); c.9115G>A (NM_004370.5); short protein forms G1875S, G3039S.
Identifiers: ClinVar variation 1720763 (VCV001720763.7), dbSNP rs2533014603, ClinGen allele CA364732836.